The following is an entry in ClinVar:

NM_001164508.2(NEB):c.16704+1G>A

Gene: NEB (nebulin; minus strand). Cytogenetic location: 2q23.3.
Variant type: single nucleotide variant.
Coding change: c.16704+1G>A on transcript NM_001164508.2 (MANE Select); the canonical splice donor site of the intron after coding-DNA position 16704, G replaced by A.
Molecular consequence: splice donor variant. On other transcripts: intron variant (1).
Genome position (GRCh38, 1-based): chr2:151,579,337, C>T on the plus strand (G>A on the coding strand, the complement: NEB is on the minus strand). VCF-style: chr2-151579337-C-T. GRCh37 (hg19) VCF-style: chr2-152435851-C-T.
Other names: c.11602-2983G>A (NM_004543.5); c.16704+1G>A (NM_001164507.2, NM_001271208.2, NM_001271208.1).
Identifiers: ClinVar variation 1299594 (VCV001299594.34), dbSNP rs1227806763, ClinGen allele CA348750316.
Genomic context (GRCh38, chr2:151,579,337, plus strand): 5'-GCATTGGAAGGAGCCATCAGGCAAAGCAATGGGGGACTTGTTTCCTGGGCGACACACTTA[C>T]GTCGCTCTGTAGGTCGTAGGCTTTCCTGGCTTGGATCACATCATTCTGGTCGGGAAAGCA-3'

ClinVar aggregate classification (germline): Conflicting classifications of pathogenicity. Review status: criteria provided, conflicting classifications (1 of 4 stars). 6 submissions from 6 submitters: Pathogenic (2); Likely pathogenic (3); Uncertain significance (1). Last evaluated 2026-01-23.

Conditions:
Arthrogryposis multiplex congenita 6. Identifiers: MedGen C5543431, MONDO:0030281, OMIM 619334.
Nemaline myopathy 2 (NEM2). Also called: Nemaline myopathy 2, autosomal recessive. Identifiers: MedGen C1850569, MONDO:0009725, OMIM 256030.
NEB-related disorder. Also called: NEB-related condition; NEB-Related Disorders.
Nemaline myopathy. Also called: Myopathies, Nemaline. Identifiers: Orphanet 607, MedGen C0206157, MONDO:0018958.

Allele frequency attached by ClinVar (database versions not stated): gnomAD exomes 0.00001.
gnomAD v4.1: 6 of 1,349,416 alleles (0.00044%); highest among the groups gnomAD compares: African/African-American, 0.0014%; no homozygotes.

Submissions (6):

PreventionGenetics, part of Exact Sciences
Classification: Pathogenic for NEB-related condition. Last evaluated: 2026-01-23. Review status: criteria provided, single submitter. Criteria: ACMG Guidelines, 2015. Collection method: clinical testing. Allele origin: germline.
Comment: The NEB c.16704+1G>A variant is predicted to disrupt the GT donor site and interfere with normal splicing. To our knowledge, this variant has not been reported in the literature or in a large population database (gnomAD), indicating this variant is rare. Variants that disrupt the consensus splice donor site in NEB are expected to be pathogenic. This variant is interpreted as pathogenic.

Broad Center for Mendelian Genomics, Broad Institute of MIT and Harvard
Classification: Likely pathogenic for Nemaline myopathy. Last evaluated: 2025-03-11. Review status: criteria provided, single submitter. Criteria: ACMG Guidelines, 2015. Collection method: curation. Allele origin: germline. Inheritance: Autosomal recessive inheritance.
Comment: The c.16704+1G>A variant in NEB has not been previously reported in the literature in individuals with nemaline myopathy, but has been identified in 0.001% (1/71508) of African/African American chromosomes by the Genome Aggregation Database (gnomAD; dbSNP ID: rs1227806763). Although this variant has been seen in the general population in a heterozygous state, its frequency is low enough to be consistent with a recessive carrier frequency. This variant has also been reported in ClinVar (Variation ID: 1299594) and has been interpreted as pathogenic by CeGaT Center for Human Genetics Tuebingen, likely pathogenic by Women's Health and Genetics/Laboratory Corporation of America, and a variant of uncertain significance by Laboratory of Medical Genetics (National & Kapodistrian University of Athens). This variant is located in the 5' splice region. SpliceAI predictions indicate use of an out-of-frame cryptic splice site 80 bases from the intron-exon boundary, providing evidence that this variant may cause a frameshift and lead to a premature termination codon downstream. This alteration is then predicted to lead to a truncated or absent protein. However, this information is not predictive enough to determine pathogenicity. Loss of function of the NEB gene is an established disease mechanism in autosomal recessive nemaline myopathy. In summary, although additional studies are required to fully establish its clinical significance, this variant is likely pathogenic for autosomal recessive nemaline myopathy. ACMG/AMP Criteria applied: PVS1, PM2_supporting (Richards 2015).

Fulgent Genetics
Classification: Likely pathogenic for Nemaline myopathy 2; Arthrogryposis multiplex congenita 6. Last evaluated: 2024-02-22. Review status: criteria provided, single submitter. Criteria: ACMG Guidelines, 2015. Collection method: clinical testing. Allele origin: germline.

Women's Health and Genetics/Laboratory Corporation of America, LabCorp
Classification: Likely pathogenic for Nemaline myopathy. Last evaluated: 2023-07-27. Review status: criteria provided, single submitter. Criteria: LabCorp Variant Classification Summary - May 2015. Collection method: clinical testing. Allele origin: germline.
Comment: Variant summary: NEB c.16704+1G>A is located in a canonical splice-site and is predicted to affect mRNA splicing resulting in a significantly altered protein due to either exon skipping, shortening, or inclusion of intronic material. Several computational tools predict a significant impact on normal splicing: Four predict the variant abolishes the canonical 5' splicing donor site. However, these predictions have yet to be confirmed by functional studies. The variant was absent in 149886 control chromosomes. To our knowledge, no occurrence of c.16704+1G>A in individuals affected with Nemaline Myopathy 2 and no experimental evidence demonstrating its impact on protein function have been reported. Two submitters have cited clinical-significance assessments for this variant to ClinVar after 2014 without evidence for independent evaluation. One submitter classified the variant as pathogenic and one submitter classified the variant as uncertain significance. Based on the evidence outlined above, the variant was classified as likely pathogenic.

CeGaT Center for Human Genetics Tuebingen
Classification: Pathogenic. Last evaluated: 2022-12-01. Review status: criteria provided, single submitter. Criteria: CeGaT Center For Human Genetics Tuebingen Variant Classification Criteria Version 2. Collection method: clinical testing. Allele origin: germline. Affected: yes. Observed: 1 variant allele.

Laboratory of Medical Genetics, National & Kapodistrian University of Athens
Classification: Uncertain significance for Nemaline myopathy 2. Last evaluated: 2021-10-06. Review status: criteria provided, single submitter. Criteria: ACMG Guidelines, 2015. Collection method: clinical testing. Allele origin: paternal. Affected: yes.
Comment: PVS1, PM2